The following is an entry in ClinVar:

ClinVar aggregate classification (germline): Benign/Likely benign. Review status: criteria provided, multiple submitters, no conflicts (2 of 4 stars). 4 submissions from 4 submitters: Benign (3); Likely benign (1). Last evaluated 2026-09-01.

Allele frequency attached by ClinVar (database versions not stated): 1000 Genomes Project 0.00240; 1000 Genomes Project 30x 0.00281; TOPMed 0.00652; gnomAD 0.00812 and 0.00833; gnomAD exomes 0.00819 and 0.01175; ExAC 0.00907; ESP Exome Variant Server 0.00976.

Submissions (4):

CeGaT Center for Human Genetics Tuebingen
Classification: Benign. Last evaluated: 2026-09-01. Review status: criteria provided, single submitter. Criteria: CeGaT Center For Human Genetics Tuebingen Variant Classification Criteria Version 2. Collection method: clinical testing. Allele origin: germline. Affected: yes. Observed: 14 variant alleles.
Comment: BUB1: BP4, BP7, BS1, BS2

Labcorp Genetics (formerly Invitae), Labcorp
Classification: Benign. Last evaluated: 2026-02-03. Review status: criteria provided, single submitter. Criteria: Invitae Variant Classification Sherloc (09022015). Collection method: clinical testing. Allele origin: germline.

Ambry Genetics
Classification: Likely benign. Last evaluated: 2022-02-12. Review status: criteria provided, single submitter. Criteria: Ambry Variant Classification Scheme 2023. Collection method: clinical testing. Allele origin: germline.

Breakthrough Genomics
Classification: Benign. Review status: criteria provided, single submitter. Criteria: ACMG Guidelines, 2015. Collection method: not provided. Allele origin: germline. Inheritance: Autosomal dominant inheritance. Affected: yes.

NM_004336.5(BUB1):c.432G>A (p.Gln144=)

Gene: BUB1 (BUB1 mitotic checkpoint serine/threonine kinase; minus strand). Cytogenetic location: 2q13.
Variant type: single nucleotide variant.
Coding change: c.432G>A on transcript NM_004336.5 (MANE Select); coding-DNA position 432, G replaced by A.
Protein change: p.Gln144=; no amino-acid change (glutamine 144 retained).
Molecular consequence: synonymous variant.
Genome position (GRCh38, 1-based): chr2:110,670,559, C>T on the plus strand (G>A on the coding strand, the complement: BUB1 is on the minus strand). VCF-style: chr2-110670559-C-T. GRCh37 (hg19) VCF-style: chr2-111428136-C-T.
Other names: c.372G>A, p.Gln124= (NM_001278616.2); c.432G>A, p.Gln144= (NM_001278617.2).
Identifiers: ClinVar variation 771699 (VCV000771699.33), dbSNP rs1801636, ClinGen allele CA1828358.